The following is an entry in ClinVar:

ClinVar aggregate classification (germline): Uncertain significance (1 of 4 stars; one submission).

gnomAD v4.1: 1 of 1,613,958 alleles (0.000062%); highest among the groups gnomAD compares: East Asian, 0.0022%; no homozygotes.

Submission:

Labcorp Genetics (formerly Invitae), Labcorp
Classification: Uncertain significance. Last evaluated: 2025-12-21. Review status: criteria provided, single submitter. Criteria: Invitae Variant Classification Sherloc (09022015). Collection method: clinical testing. Allele origin: germline.
Comment: This sequence change replaces glutamine, which is neutral and polar, with arginine, which is basic and polar, at codon 664 of the HYOU1 protein (p.Gln664Arg). This variant is not present in population databases (gnomAD no frequency). This variant has not been reported in the literature in individuals affected with HYOU1-related conditions. An algorithm developed to predict the effect of missense changes on protein structure and function (PolyPhen-2) suggests that this variant is likely to be tolerated. Algorithms developed to predict the effect of sequence changes on RNA splicing suggest that this variant may disrupt the consensus splice site. In summary, the available evidence is currently insufficient to determine the role of this variant in disease. Therefore, it has been classified as a Variant of Uncertain Significance.

NM_006389.5(HYOU1):c.1991A>G (p.Gln664Arg)

Gene: HYOU1 (hypoxia up-regulated 1; minus strand). Cytogenetic location: 11q23.3.
Variant type: single nucleotide variant.
Coding change: c.1991A>G on transcript NM_006389.5 (MANE Select); coding-DNA position 1991, A replaced by G.
Protein change: p.Gln664Arg; replaces glutamine 664 with arginine.
Molecular consequence: missense variant.
Genome position (GRCh38, 1-based): chr11:119,049,019, T>C on the plus strand (A>G on the coding strand, the complement: HYOU1 is on the minus strand). VCF-style: chr11-119049019-T-C. GRCh37 (hg19) VCF-style: chr11-118919731-T-C.
Other names: c.1991A>G, p.Gln664Arg (NM_001130991.3, NM_001411041.1); short protein forms Q664R.
Identifiers: ClinVar variation 4766258 (VCV004766258.1).
Genomic context (GRCh38, chr11:119,049,019, plus strand): 5'-GCAGGCGCCTGCTCCCTTAGCCTCTGGATCCACACTGGCCTTCCTCTGCCACAGCTCACC[T>C]GGGCCTCAGACTTGTCCCCATTTTCTTTTTCTGTGGCCTTTTCTCCCTCAGGGGTTGCAT-3'
Protein context (NP_006380.1, residues 654-674): EKENGDKSEA[Gln664Arg]KPSEKAEAGP